The following is an entry in ClinVar:

NC_000006.11:g.(?_3155839)_(3226065_?)dup

Genes: TUBB2A (tubulin beta 2A class IIa; minus strand), TUBB2B (tubulin beta 2B class IIb; minus strand). Cytogenetic location: 6p25.2.
Variant type: Duplication.
Identifiers: ClinVar variation 2423595 (VCV002423595.3).

ClinVar aggregate classification (germline): Uncertain significance (1 of 4 stars; one submission).

Submission:

Labcorp Genetics (formerly Invitae), Labcorp
Classification: Uncertain significance. Last evaluated: 2022-09-27. Review status: criteria provided, single submitter. Criteria: Invitae Variant Classification Sherloc (09022015). Collection method: clinical testing. Allele origin: germline.
Comment: This variant results in a copy number gain of the genomic region encompassing exon(s) 1-3 of the TUBB2A gene. This region includes the initiator codon of the gene. This copy number gain extends beyond the assayed region for this gene and therefore may encompass additional genes. As the precise location of this event is unknown, it may be in tandem or it may be located elsewhere in the genome. This variant has not been reported in the literature in individuals affected with TUBB2A-related conditions. Experimental studies and prediction algorithms are not available or were not evaluated, and the functional significance of this variant is currently unknown. In summary, the available evidence is currently insufficient to determine the role of this variant in disease. Therefore, it has been classified as a Variant of Uncertain Significance.